The following is an entry in ClinVar:

NM_001127644.2(GABRA1):c.408C>T (p.Ala136=)

Gene: GABRA1 (gamma-aminobutyric acid type A receptor subunit alpha1; plus strand). Cytogenetic location: 5q34.
Variant type: single nucleotide variant.
Coding change: c.408C>T on transcript NM_001127644.2 (MANE Select); coding-DNA position 408, C replaced by T.
Protein change: p.Ala136=; no amino-acid change (alanine 136 retained).
Molecular consequence: synonymous variant.
Genome position (GRCh38, 1-based): chr5:161,873,269, C>T. VCF-style: chr5-161873269-C-T. GRCh37 (hg19) VCF-style: chr5-161300275-C-T.
Other names: p.Ala136=; c.408C>T, p.Ala136= (NM_000806.5, NM_001127643.2, NM_001127645.2 and 1 more transcripts).
Identifiers: ClinVar variation 1153879 (VCV001153879.10), dbSNP rs771269673, ClinGen allele CA3544402.

ClinVar aggregate classification (germline): Likely benign. Review status: criteria provided, multiple submitters, no conflicts (2 of 4 stars). 2 submissions from 2 submitters: Likely benign (2). Last evaluated 2025-01-13.

Conditions:
Idiopathic generalized epilepsy. Also called: EIG; Generalised epilepsy. Identifiers: MedGen C0270850, MONDO:0005579, OMIM 600669.
Epilepsy, childhood absence 4 (ECA4). Also called: EPILEPSY, CHILDHOOD ABSENCE, SUSCEPTIBILITY TO, 4. Identifiers: Orphanet 307, MedGen C1970160.
Epilepsy, idiopathic generalized, susceptibility to, 13. Also called: EPILEPSY, JUVENILE MYOCLONIC, SUSCEPTIBILITY TO, 5. Identifiers: Orphanet 307, Orphanet 64280, MedGen C4013473, MONDO:0012627, OMIM 611136.

Allele frequency attached by ClinVar (database versions not stated): gnomAD 0.00001; ExAC 0.00002; gnomAD exomes 0.00002 and 0.00003; TOPMed 0.00002.

Submissions (2):

Mayo Clinic Laboratories, Mayo Clinic
Classification: Likely benign. Last evaluated: 2025-01-13. Review status: criteria provided, single submitter. Criteria: ACMG Guidelines, 2015. Collection method: clinical testing. Allele origin: germline. Observed: 1 variant allele.
Comment: BP4, BP7

Labcorp Genetics (formerly Invitae), Labcorp
Classification: Likely benign for Epilepsy, childhood absence 4; Epilepsy, idiopathic generalized, susceptibility to, 13; Idiopathic generalized epilepsy. Last evaluated: 2022-10-29. Review status: criteria provided, single submitter. Criteria: Invitae Variant Classification Sherloc (09022015). Collection method: clinical testing. Allele origin: germline.